The following is an entry in ClinVar:

ClinVar aggregate classification (germline): not provided (0 of 4 stars; one submission).

Allele frequency attached by ClinVar (database versions not stated): ExAC 0.00001; gnomAD 0.00001 and 0.00002; gnomAD exomes 0.00001; 1000 Genomes Project 30x 0.00016; 1000 Genomes Project 0.00020.
gnomAD v4.1: 6 of 1,614,182 alleles (0.00037%); highest among the groups gnomAD compares: African/African-American, 0.0053%; no homozygotes.

Submission:

ITMI
No classification provided. Condition: AllHighlyPenetrant. Last evaluated: 2013-09-19. Review status: no classification provided. Collection method: reference population. Allele origin: germline.
Comment: Please see associated publication for description of ethnicities

Literature cited by the submitters: PubMed 24728327.

NM_004119.3(FLT3):c.833A>C (p.Asn278Thr)

Gene: FLT3 (fms related receptor tyrosine kinase 3; minus strand). Cytogenetic location: 13q12.2.
Variant type: single nucleotide variant.
Coding change: c.833A>C on transcript NM_004119.3 (MANE Select); coding-DNA position 833, A replaced by C.
Protein change: p.Asn278Thr; replaces asparagine 278 with threonine.
Molecular consequence: missense variant. On other transcripts: non-coding transcript variant (1).
Genome position (GRCh38, 1-based): chr13:28,049,684, T>G on the plus strand (A>C on the coding strand, the complement: FLT3 is on the minus strand). VCF-style: chr13-28049684-T-G. GRCh37 (hg19) VCF-style: chr13-28623821-T-G.
Other names: short protein forms N278T.
Identifiers: ClinVar variation 134448 (VCV000134448.1), dbSNP rs550878210, ClinGen allele CA159849.